The following is an entry in ClinVar:

ClinVar aggregate classification (germline): Pathogenic (1 of 4 stars; one submission).

Conditions:
Medium-chain acyl-coenzyme A dehydrogenase deficiency (ACADMD). Also called: Medium chain acyl-CoA dehydrogenase deficiency; MCADH DEFICIENCY; MCADD; MCAD Deficiency; ACADM DEFICIENCY; CARNITINE DEFICIENCY SECONDARY TO MEDIUM-CHAIN ACYL-CoA DEHYDROGENASE DEFICIENCY. Identifiers: Orphanet 42, MedGen C0220710, MONDO:0008721, OMIM 201450.

Submission:

Labcorp Genetics (formerly Invitae), Labcorp
Classification: Pathogenic for Medium-chain acyl-coenzyme A dehydrogenase deficiency. Last evaluated: 2021-06-26. Review status: criteria provided, single submitter. Criteria: Invitae Variant Classification Sherloc (09022015). Collection method: clinical testing. Allele origin: germline.
Comment: This variant has not been reported in the literature in individuals with ACADM-related conditions. This sequence change creates a premature translational stop signal (p.Ala268Leufs*16) in the ACADM gene. It is expected to result in an absent or disrupted protein product. Loss-of-function variants in ACADM are known to be pathogenic (PMID: 16121256, 20434380). This variant is not present in population databases (ExAC no frequency). For these reasons, this variant has been classified as Pathogenic.

Literature cited by the submitters: PubMed 16121256; PubMed 20434380.

NM_000016.6(ACADM):c.801del (p.Ala268fs)

Gene: ACADM (acyl-CoA dehydrogenase medium chain; plus strand). Cytogenetic location: 1p31.1.
Variant type: Deletion.
Coding change: c.801del on transcript NM_000016.6 (MANE Select); coding-DNA position 801, one base deleted (A; older notation c.801delA).
Protein change: p.Ala268fs; shifts the reading frame from alanine 268.
Molecular consequence: frameshift variant.
Genome position (GRCh38, 1-based): chr1:75,749,511, A deleted. VCF-style (leftmost placement, unchanged base first): chr1-75749510-GA-G. GRCh37 (hg19) VCF-style: chr1-76215195-GA-G.
Other names: c.813del, p.Ala272fs (NM_001127328.3); c.693del, p.Ala232fs (NM_001286042.2); c.900del, p.Ala301fs (NM_001286043.2); c.234del, p.Ala79fs (NM_001286044.2); short protein forms A232fs, A268fs, A79fs, A272fs, A301fs.
Identifiers: ClinVar variation 1368883 (VCV001368883.6), dbSNP rs2100417752, ClinGen allele CA2573132610.